The following is an entry in ClinVar:

NM_000540.3(RYR1):c.2634C>T (p.His878=)

Gene: RYR1 (ryanodine receptor 1; plus strand). Cytogenetic location: 19q13.2.
Variant type: single nucleotide variant.
Coding change: c.2634C>T on transcript NM_000540.3 (MANE Select); coding-DNA position 2634, C replaced by T.
Protein change: p.His878=; no amino-acid change (histidine 878 retained).
Molecular consequence: synonymous variant.
Genome position (GRCh38, 1-based): chr19:38,463,479, C>T. VCF-style: chr19-38463479-C-T. GRCh37 (hg19) VCF-style: chr19-38954119-C-T.
Other names: c.2634C>T, p.His878= (NM_001042723.2).
Identifiers: ClinVar variation 256480 (VCV000256480.54), dbSNP rs202233201, ClinGen allele CA063624.
Genomic context (GRCh38, chr19:38,463,479, plus strand): 5'-CTAGATTGTCCTGCCGCCCCATCTGGAGCGCATTCGGGAGAAGCTGGCGGAGAACATCCA[C>T]GAGCTCTGGGCGCTAACCCGCATCGAGCAGGGCTGGACCTACGGCCCGGTGAGGGGCTGC-3'
Protein context (NP_000531.2, residues 868-888): RIREKLAENI[His878=]ELWALTRIEQ

ClinVar aggregate classification (germline): Likely benign. Review status: criteria provided, multiple submitters, no conflicts (2 of 4 stars). 6 submissions from 6 submitters: Likely benign (6). Last evaluated 2026-01-08.

Conditions:
RYR1-related disorder. Also called: RYR1-related disorders; RYR1-related condition. Identifiers: MedGen CN239331.
Malignant hyperthermia, susceptibility to, 1 (MHS1). Also called: Anesthesia related hyperthermia; Malignant hyperpyrexia; Fulminating hyperpyrexia; Pharmacogenic myopathy; RYR1-Related Malignant Hyperthermia Susceptibility; Malignant hyperthermia suceptibility 1. Identifiers: Orphanet 423, MedGen C2930980, MONDO:0007783, OMIM 145600.

Allele frequency attached by ClinVar (database versions not stated): gnomAD exomes 0.00004; ESP Exome Variant Server 0.00023; gnomAD 0.00030; TOPMed 0.00032; 1000 Genomes Project 30x 0.00047; 1000 Genomes Project 0.00060.
gnomAD v4.1: 104 of 1,613,792 alleles (0.0064%); highest among the groups gnomAD compares: African/African-American, 0.096%; 1 homozygote.

Submissions (6):

Labcorp Genetics (formerly Invitae), Labcorp
Classification: Likely benign for RYR1-related disorder. Last evaluated: 2026-01-08. Review status: criteria provided, single submitter. Criteria: Invitae Variant Classification Sherloc (09022015). Collection method: clinical testing. Allele origin: germline.

Blueprint Genetics
Classification: Likely benign. Last evaluated: 2024-02-02. Review status: criteria provided, single submitter. Criteria: ACMG Guidelines, 2015. Collection method: clinical testing. Allele origin: germline.

All of Us Research Program, National Institutes of Health
Classification: Likely benign for Malignant hyperthermia, susceptibility to, 1. Last evaluated: 2023-12-14. Review status: criteria provided, single submitter. Criteria: ACMG Guidelines, 2015. Collection method: clinical testing. Allele origin: germline. Inheritance: Autosomal dominant inheritance. Observed: 9 variant alleles, 9 heterozygotes.
Comment: This study involves interpretation of variants in research participants for the purpose of population health screening. Participant phenotype was not available at the time of variant classification. Additional details can be found in publication PMID: 35346344, PMCID: PMC8962531

Color Diagnostics, LLC DBA Color Health
Classification: Likely benign for Malignant hyperthermia, susceptibility to, 1. Last evaluated: 2022-11-06. Review status: criteria provided, single submitter. Criteria: ACMG Guidelines, 2015. Collection method: clinical testing. Allele origin: germline.

CeGaT Center for Human Genetics Tuebingen
Classification: Likely benign. Last evaluated: 2020-06-01. Review status: criteria provided, single submitter. Criteria: CeGaT Center For Human Genetics Tuebingen Variant Classification Criteria Version 2. Collection method: clinical testing. Allele origin: germline. Affected: yes. Observed: 1 variant allele.

PreventionGenetics, part of Exact Sciences
Classification: Likely benign. Review status: criteria provided, single submitter. Criteria: ACMG Guidelines, 2015. Collection method: clinical testing. Allele origin: germline.